The following is an entry in ClinVar:

NM_025114.4(CEP290):c.1987A>T (p.Lys663Ter)

Gene: CEP290 (centrosomal protein 290; minus strand). Cytogenetic location: 12q21.32.
Variant type: single nucleotide variant.
Coding change: c.1987A>T on transcript NM_025114.4 (MANE Select); coding-DNA position 1987, A replaced by T.
Protein change: p.Lys663Ter; replaces lysine 663 with a stop codon.
Molecular consequence: nonsense.
Genome position (GRCh38, 1-based): chr12:88,114,485, T>A on the plus strand (A>T on the coding strand, the complement: CEP290 is on the minus strand). VCF-style: chr12-88114485-T-A. GRCh37 (hg19) VCF-style: chr12-88508262-T-A.
Other names: c.1987A>T (NM_025114.3); short protein forms K663*.
Identifiers: ClinVar variation 1071061 (VCV001071061.11), dbSNP rs2038919221, ClinGen allele CA385976857.

ClinVar aggregate classification (germline): Pathogenic. Review status: criteria provided, multiple submitters, no conflicts (2 of 4 stars). 4 submissions from 4 submitters: Pathogenic (4). Last evaluated 2026-09-15.

Conditions:
CEP290-related disorder. Also called: CEP290-related disorders; CEP290-related condition. Identifiers: MedGen CN239314.
Bardet-Biedl syndrome 14 (BBS14). Identifiers: Orphanet 110, MedGen C2673874, MONDO:0014442, OMIM 615991.
Meckel syndrome, type 4 (MKS4). Also called: MECKEL-GRUBER SYNDROME, TYPE 4. Identifiers: Orphanet 564, MedGen C1970161, MONDO:0012626, OMIM 611134.
Nephronophthisis. Also called: Juvenile Nephronophthisis. Identifiers: Orphanet 655, MedGen C0687120, MONDO:0019005, HP:0000090.
Meckel-Gruber syndrome. Also called: Dysencephalia splachnocystica; DYSENCEPHALIA SPLANCHNOCYSTICA; GRUBER SYNDROME. Identifiers: Orphanet 564, MedGen C0265215, MONDO:0018921.
Joubert syndrome. Also called: JOUBERT-BOLTSHAUSER SYNDROME; Familial aplasia of the vermis. Identifiers: Orphanet 475, MedGen C5979921, MONDO:0018772.

Allele frequency attached by ClinVar (database versions not stated): gnomAD exomes below 0.00001; TOPMed below 0.00001.
gnomAD v4.1: 1 of 1,548,532 alleles (0.000065%); highest among the groups gnomAD compares: Non-Finnish European, 0.000087%; no homozygotes.

Submissions (4):

PreventionGenetics, part of Exact Sciences
Classification: Pathogenic for CEP290-related condition. Last evaluated: 2026-09-15. Review status: criteria provided, single submitter. Criteria: ACMG Guidelines, 2015. Collection method: clinical testing. Allele origin: germline.
Comment: The CEP290 c.1987A>T variant is predicted to result in premature protein termination (p.Lys663*). This variant has been reported in the heterozygous state with a second CEP290 variant in an individual with Senior-Løken syndrome (Halbritter et al. 2012. PubMed ID: 23188109) and in two siblings with early-onset severe retinal dystrophy (Testa et al. 2021. PubMed ID: 34196655). This variant has not been reported in a large population database (gnomAD), indicating this variant is rare. Nonsense variants in CEP290 are expected to be pathogenic. This variant is interpreted as pathogenic.

Labcorp Genetics (formerly Invitae), Labcorp
Classification: Pathogenic for Joubert syndrome; Meckel-Gruber syndrome; Nephronophthisis. Last evaluated: 2026-01-09. Review status: criteria provided, single submitter. Criteria: Invitae Variant Classification Sherloc (09022015). Collection method: clinical testing. Allele origin: germline.
Comment: This sequence change creates a premature translational stop signal (p.Lys663*) in the CEP290 gene. It is expected to result in an absent or disrupted protein product. Loss-of-function variants in CEP290 are known to be pathogenic (PMID: 16909394, 17345604, 20690115). This variant is not present in population databases (gnomAD no frequency). This premature translational stop signal has been observed in individual(s) with clinical features of CEP290-related conditions (PMID: 23188109, 29053603). ClinVar contains an entry for this variant (Variation ID: 1071061). Algorithms developed to predict the effect of sequence changes on RNA splicing suggest that this variant may disrupt the consensus splice site. For these reasons, this variant has been classified as Pathogenic.

Women's Health and Genetics/Laboratory Corporation of America, LabCorp
Classification: Pathogenic for Meckel syndrome, type 4. Last evaluated: 2024-11-08. Review status: criteria provided, single submitter. Criteria: LabCorp Variant Classification Summary - May 2015. Collection method: clinical testing. Allele origin: germline.
Comment: Variant summary: CEP290 c.1987A>T (p.Lys663X) results in a premature termination codon, predicted to cause a truncation of the encoded protein or absence of the protein due to nonsense mediated decay, which are commonly known mechanisms for disease. The variant was absent in 156574 control chromosomes (gnomAD). c.1987A>T has been reported in the literature in individuals affected with CEP290-Related Disorders (e.g. Di Iorio_2017). To our knowledge, no experimental evidence demonstrating an impact on protein function has been reported. The following publication have been ascertained in the context of this evaluation (PMID: 29053603). ClinVar contains an entry for this variant (Variation ID: 1071061). Based on the evidence outlined above, the variant was classified as pathogenic.

Baylor Genetics
Classification: Pathogenic for Bardet-Biedl syndrome 14. Last evaluated: 2024-02-08. Review status: criteria provided, single submitter. Criteria: ACMG Guidelines, 2015. Collection method: clinical testing. Allele origin: unknown.

Literature cited by the submitters: PubMed 16909394 (cited by Labcorp Genetics (formerly Invitae), Labcorp); PubMed 17345604 (cited by Labcorp Genetics (formerly Invitae), Labcorp); PubMed 20690115 (cited by Labcorp Genetics (formerly Invitae), Labcorp); PubMed 23188109 (cited by Labcorp Genetics (formerly Invitae), Labcorp); PubMed 29053603 (cited by Labcorp Genetics (formerly Invitae), Labcorp and Women's Health and Genetics/Laboratory Corporation of America, LabCorp).